The following is an entry in ClinVar:

NM_001145358.2(SIN3A):c.1493C>T (p.Ala498Val)

Gene: SIN3A (SIN3 transcription regulator family member A; minus strand). Cytogenetic location: 15q24.2.
Variant type: single nucleotide variant.
Coding change: c.1493C>T on transcript NM_001145358.2 (MANE Select); coding-DNA position 1493, C replaced by T.
Protein change: p.Ala498Val; replaces alanine 498 with valine.
Molecular consequence: missense variant.
Genome position (GRCh38, 1-based): chr15:75,401,885, G>A on the plus strand (C>T on the coding strand, the complement: SIN3A is on the minus strand). VCF-style: chr15-75401885-G-A. GRCh37 (hg19) VCF-style: chr15-75694226-G-A.
Other names: c.1493C>T, p.Ala498Val (NM_001145357.2, NM_001437462.1, NM_001437463.1 and 1 more transcripts); short protein forms A498V.
Identifiers: ClinVar variation 4883079 (VCV004883079.2).

ClinVar aggregate classification (germline): Uncertain significance (1 of 4 stars; one submission).

Submission:

Dasa
Classification: Uncertain significance. Last evaluated: 2025-02-09. Review status: criteria provided, single submitter. Criteria: DASA Assertion Criteria. Collection method: clinical testing. Allele origin: germline.
Comment: NM_001145358.2(SIN3A):c.1493C>T (p.Ala498Val) is a missense variant that results in the substitution of alanine with valine. The affected residue or protein region has prior evidence supporting clinical relevance. This variant is absent from population databases. Computational prediction algorithms are consistent with a benign effect. The currently available literature and clinical evidence are not sufficient to establish a definitive association between this variant and the reported condition. Therefore, this variant is classified as a variant of uncertain significance.